The following is an entry in ClinVar:

NM_002234.4(KCNA5):c.92G>T (p.Gly31Val)

Gene: KCNA5 (potassium voltage-gated channel subfamily A member 5; plus strand). Cytogenetic location: 12p13.32.
Variant type: single nucleotide variant.
Coding change: c.92G>T on transcript NM_002234.4 (MANE Select); coding-DNA position 92, G replaced by T.
Protein change: p.Gly31Val; replaces glycine 31 with valine.
Molecular consequence: missense variant.
Genome position (GRCh38, 1-based): chr12:5,044,239, G>T. VCF-style: chr12-5044239-G-T. GRCh37 (hg19) VCF-style: chr12-5153405-G-T.
Other names: short protein forms G31V.
Identifiers: ClinVar variation 309332 (VCV000309332.27), dbSNP rs61737395, ClinGen allele CA6399538.

ClinVar aggregate classification (germline): Benign/Likely benign. Review status: criteria provided, multiple submitters, no conflicts (2 of 4 stars). 8 submissions from 8 submitters: Benign (4); Likely benign (3). 1 of the submissions does not count toward it. Last evaluated 2026-02-01.

Conditions:
Atrial fibrillation, familial, 7 (ATFB7). Identifiers: MedGen C2677106, MONDO:0012828, OMIM 612240.
Pulmonary arterial hypertension. Identifiers: Orphanet 182090, MedGen C2973725, MeSH D000081029, MONDO:0015924, HP:0002092.

Allele frequency attached by ClinVar (database versions not stated): ESP Exome Variant Server 0.01141; 1000 Genomes Project 0.01458; TOPMed 0.01581; 1000 Genomes Project 30x 0.01624.

Submissions (8):

Labcorp Genetics (formerly Invitae), Labcorp
Classification: Likely benign for Atrial fibrillation, familial, 7. Last evaluated: 2026-02-01. Review status: criteria provided, single submitter. Criteria: Invitae Variant Classification Sherloc (09022015). Collection method: clinical testing. Allele origin: germline.

Women's Health and Genetics/Laboratory Corporation of America, LabCorp
Classification: Likely benign. Last evaluated: 2024-04-08. Review status: criteria provided, single submitter. Criteria: LabCorp Variant Classification Summary - May 2015. Collection method: clinical testing. Allele origin: germline.

ARUP Laboratories, Molecular Genetics and Genomics, ARUP Laboratories
Classification: Benign for Atrial fibrillation, familial, 7. Last evaluated: 2023-11-06. Review status: criteria provided, single submitter. Criteria: ARUP Molecular Germline Variant Investigation Process 2024. Collection method: clinical testing. Allele origin: germline.

GeneDx
Classification: Benign. Last evaluated: 2018-09-17. Review status: criteria provided, single submitter. Criteria: GeneDx Variant Classification Process June 2021. Collection method: clinical testing. Allele origin: germline. Affected: yes.

Illumina Laboratory Services, Illumina
Classification: Benign for Atrial fibrillation, familial, 7. Last evaluated: 2018-01-13. Review status: criteria provided, single submitter. Criteria: ICSL Variant Classification Criteria 13 December 2019. Collection method: clinical testing. Allele origin: germline.
Comment: This variant was observed in the ICSL laboratory as part of a predisposition screen in an ostensibly healthy population. It had not been previously curated by ICSL or reported in the Human Gene Mutation Database (HGMD: prior to June 1st, 2018), and was therefore a candidate for classification through an automated scoring system. Utilizing variant allele frequency, disease prevalence and penetrance estimates, and inheritance mode, an automated score was calculated to assess if this variant is too frequent to cause the disease. Based on the score and internal cut-off values, a variant classified as benign is not then subjected to further curation. The score for this variant resulted in a classification of benign for this disease.

Center for Pediatric Genomic Medicine, Children's Mercy Hospital and Clinics
Classification: Benign. Last evaluated: 2016-07-22. Review status: criteria provided, single submitter. Criteria: ACMG Guidelines, 2015. Collection method: clinical testing. Allele origin: germline.

Breakthrough Genomics
Classification: Likely benign. Review status: criteria provided, single submitter. Criteria: ACMG Guidelines, 2015. Collection method: not provided. Allele origin: germline. Inheritance: Autosomal dominant inheritance. Affected: yes.

John Welsh Cardiovascular Diagnostic Laboratory, Baylor College of Medicine
Classification: Benign for Pulmonary arterial hypertension. Last evaluated: 2022-09-26. Review status: no assertion criteria provided. Criteria: ACMG Guidelines, 2015. Collection method: clinical testing. Allele origin: germline. Not counted in ClinVar's aggregate classification.